The following is an entry in ClinVar:

NM_000352.6(ABCC8):c.2977G>A (p.Ala993Thr)

Gene: ABCC8 (ATP binding cassette subfamily C member 8; minus strand). Cytogenetic location: 11p15.1.
Variant type: single nucleotide variant.
Coding change: c.2977G>A on transcript NM_000352.6 (MANE Select); coding-DNA position 2977, G replaced by A.
Protein change: p.Ala993Thr; replaces alanine 993 with threonine.
Molecular consequence: missense variant. On other transcripts: non-coding transcript variant (1).
Genome position (GRCh38, 1-based): chr11:17,407,073, C>T on the plus strand (G>A on the coding strand, the complement: ABCC8 is on the minus strand). VCF-style: chr11-17407073-C-T. GRCh37 (hg19) VCF-style: chr11-17428620-C-T.
Other names: c.2980G>A, p.Ala994Thr (NM_001287174.3); c.3043G>A, p.Ala1015Thr (NM_001351295.2); c.2977G>A, p.Ala993Thr (NM_001351296.2); c.2974G>A, p.Ala992Thr (NM_001351297.2); short protein forms A1015T, A992T, A993T, A994T.
Identifiers: ClinVar variation 981170 (VCV000981170.5), dbSNP rs148342166, ClinGen allele CA5902955.
Genomic context (GRCh38, chr11:17,407,073, plus strand): 5'-ACAGGAGCAGGATGCCGGCGGAGGACAGGTACTTGGCGCAGGCTCGCCATGGGATCTCAG[C>T]ACGCTGGTGCAGCATGGACGACAGGTTGTCATCCTCCTCGCTCTCAGCTGCCTCCTCTGC-3'
Protein context (NP_000343.2, residues 983-1003): DNLSSMLHQR[Ala993Thr]EIPWRACAKY

ClinVar aggregate classification (germline): Uncertain significance. Review status: criteria provided, multiple submitters, no conflicts (2 of 4 stars). 4 submissions from 3 submitters: Uncertain significance (4). Last evaluated 2022-09-14.

Conditions:
Transitory neonatal diabetes mellitus. Also called: Transient neonatal diabetes mellitus. Identifiers: MedGen C0342273, MONDO:0020525, HP:0008255.
Hyperinsulinemic hypoglycemia, familial, 1 (HHF1). Also called: Persistent hyperinsulinemic hypoglycemia of infancy; Persistent Hyperinsulinemia Hypoglycemia of Infancy; HYPERINSULINISM, FAMILIAL, WITH PANCREATIC NESIDIOBLASTOSIS; HYPOGLYCEMIA, HYPERINSULINEMIC, OF INFANCY; NESIDIOBLASTOSIS OF PANCREAS. Identifiers: Orphanet 276575, Orphanet 276598, MedGen C2931832, MONDO:0009734, OMIM 256450.
Maturity-onset diabetes of the young (MODY). Also called: Maturity onset diabetes mellitus in young. Identifiers: Orphanet 552, MedGen C0342276, MONDO:0018911, HP:0004904.

Allele frequency attached by ClinVar (database versions not stated): gnomAD exomes below 0.00001 and 0.00002; ExAC 0.00002; gnomAD 0.00003; TOPMed 0.00004; ESP Exome Variant Server 0.00008; 1000 Genomes Project 30x 0.00016; 1000 Genomes Project 0.00020.
gnomAD v4.1: 9 of 1,613,990 alleles (0.00056%); highest among the groups gnomAD compares: African/African-American, 0.012%; no homozygotes.

Submissions (4):

ARUP Laboratories, Molecular Genetics and Genomics, ARUP Laboratories
Classification: Uncertain significance. Last evaluated: 2022-09-14. Review status: criteria provided, single submitter. Criteria: ARUP Molecular Germline Variant Investigation Process 2021. Collection method: clinical testing. Allele origin: germline.
Comment: The ABCC8 c.2977G>A; p.Ala993Thr variant, to our knowledge, is not reported in the medical literature but is reported in ClinVar (Variation ID: 981170). This variant is observed in the general population with an overall allele frequency of 0.002% (5/278822 alleles) in the Genome Aggregation Database. The alanine at codon 993 is moderately conserved, but computational analyses are uncertain whether this variant is neutral or deleterious (REVEL: 0.375). Due to limited information, the clinical significance of this variant is uncertain at this time.

Rady Children's Institute for Genomic Medicine, Rady Children's Hospital San Diego
Classification: Uncertain significance for Hyperinsulinemic hypoglycemia, familial, 1. Last evaluated: 2020-03-31. Review status: criteria provided, single submitter. Criteria: ACMG Guidelines, 2015. Collection method: clinical testing. Allele origin: germline. Affected: yes.
Comment: This variant has not been previously reported or functionally characterized in the literature to our knowledge. It is present in the heterozygous state in the gnomAD population database at a frequency of 0.002% (5/278822) and thus is presumed to be rare. In silico analyses do not support a deleterious effect of the c.2977G>A (p.Ala993Thr) variant on protein function. Based on the available evidence, the c.2977G>A (p.Ala993Thr) is classified as a Variant of Uncertain Significance.

Clinical Genomics, Uppaluri K&H Personalized Medicine Clinic
Classification: Uncertain significance for Transitory neonatal diabetes mellitus. Review status: criteria provided, single submitter. Criteria: K & H Uppaluri Personalized Medicine Clinic Variant Classification & Assertion Criteria_Updated V.1. Collection method: research. Allele origin: unknown. Inheritance: Somatic mutation.
Comment: Mutations in ABCC8 gene are associated with both neonatal diabetes mellitus as well as MODY. Patients with this mutation may have a better response to sulfonylureas. However, no sufficient evidence is found to ascertain the role of this particular variant (rs148342166) in neonatal diabetes yet.

Clinical Genomics, Uppaluri K&H Personalized Medicine Clinic
Classification: Uncertain significance for Maturity-onset diabetes of the young. Review status: criteria provided, single submitter. Criteria: K & H Uppaluri Personalized Medicine Clinic Variant Classification & Assertion Criteria_Updated V.1. Collection method: research. Allele origin: unknown. Inheritance: Somatic mutation.
Comment: Mutations in ABCC8 gene are associated with both neonatal diabetes mellitus as well as MODY. Patients with this mutation may have a better response to sulfonylureas. However, no sufficient evidence is found to ascertain the role of this particular variant (rs148342166) in MODY yet.

Literature cited by the submitters: PubMed 16885549 (cited by Clinical Genomics, Uppaluri K&H Personalized Medicine Clinic); PubMed 21989597 (cited by Clinical Genomics, Uppaluri K&H Personalized Medicine Clinic); PubMed 27538677 (cited by Clinical Genomics, Uppaluri K&H Personalized Medicine Clinic); PubMed 18981553 (cited by Clinical Genomics, Uppaluri K&H Personalized Medicine Clinic); PubMed 32027066 (cited by Clinical Genomics, Uppaluri K&H Personalized Medicine Clinic); PubMed 16613899 (cited by Clinical Genomics, Uppaluri K&H Personalized Medicine Clinic); PubMed 18025408 (cited by Clinical Genomics, Uppaluri K&H Personalized Medicine Clinic); PubMed 32792356 (cited by Clinical Genomics, Uppaluri K&H Personalized Medicine Clinic).